The following is an entry in ClinVar:

ClinVar aggregate classification (germline): Uncertain significance (1 of 4 stars; one submission).

Conditions:
Retinitis pigmentosa 59 (RP59). Identifiers: Orphanet 791, MedGen C3151227, MONDO:0013468, OMIM 613861.

Submission:

Labcorp Genetics (formerly Invitae), Labcorp
Classification: Uncertain significance for Retinitis pigmentosa 59. Last evaluated: 2022-05-14. Review status: criteria provided, single submitter. Criteria: Invitae Variant Classification Sherloc (09022015). Collection method: clinical testing. Allele origin: germline.
Comment: This sequence change replaces histidine, which is basic and polar, with tyrosine, which is neutral and polar, at codon 301 of the DHDDS protein (p.His301Tyr). This variant is not present in population databases (gnomAD no frequency). This variant has not been reported in the literature in individuals affected with DHDDS-related conditions. Algorithms developed to predict the effect of missense changes on protein structure and function (SIFT, PolyPhen-2, Align-GVGD) all suggest that this variant is likely to be tolerated. In summary, the available evidence is currently insufficient to determine the role of this variant in disease. Therefore, it has been classified as a Variant of Uncertain Significance.

NM_205861.3(DHDDS):c.898C>T (p.His300Tyr)

Gene: DHDDS (dehydrodolichyl diphosphate synthase subunit; plus strand). Cytogenetic location: 1p36.11.
Variant type: single nucleotide variant.
Coding change: c.898C>T on transcript NM_205861.3 (MANE Select); coding-DNA position 898, C replaced by T.
Protein change: p.His300Tyr; replaces histidine 300 with tyrosine.
Molecular consequence: missense variant.
Genome position (GRCh38, 1-based): chr1:26,469,027, C>T. VCF-style: chr1-26469027-C-T. GRCh37 (hg19) VCF-style: chr1-26795518-C-T.
Other names: c.796C>T, p.His266Tyr (NM_001243564.2); c.781C>T, p.His261Tyr (NM_001243565.2); c.619C>T, p.His207Tyr (NM_001319959.2); c.901C>T, p.His301Tyr (NM_024887.4); short protein forms H207Y, H261Y, H301Y, H266Y, H300Y.
Identifiers: ClinVar variation 1994442 (VCV001994442.1), dbSNP rs2524816596, ClinGen allele CA339145781.